The following is an entry in ClinVar:

NM_174889.5(NDUFAF2):c.140G>A (p.Arg47Gln)

Gene: NDUFAF2 (NADH:ubiquinone oxidoreductase complex assembly factor 2; plus strand). Cytogenetic location: 5q12.1.
Variant type: single nucleotide variant.
Coding change: c.140G>A on transcript NM_174889.5 (MANE Select); coding-DNA position 140, G replaced by A.
Protein change: p.Arg47Gln; replaces arginine 47 with glutamine.
Molecular consequence: missense variant.
Genome position (GRCh38, 1-based): chr5:61,073,137, G>A. VCF-style: chr5-61073137-G-A. GRCh37 (hg19) VCF-style: chr5-60368964-G-A.
Other names: p.R47Q:CGA>CAA; short protein forms R47Q.
Identifiers: ClinVar variation 214741 (VCV000214741.3), dbSNP rs762449995, ClinGen allele CA324301.
Genomic context (GRCh38, chr5:61,073,137, plus strand): 5'-TGTATCATAGGTTCATTTAAAAATGTATTAATGACTTTTGTCTTATAGGACAAACTATTC[G>A]AGAGAAAAGAATTGTAGAAGCAGCAAATAAAAAAGAAGTAGACTATGAAGCAGGGGATAT-3'
Protein context (NP_777549.1, residues 37-57): QYKNWRGQTI[Arg47Gln]EKRIVEAANK

ClinVar aggregate classification (germline): Uncertain significance. Review status: criteria provided, multiple submitters, no conflicts (2 of 4 stars). 2 submissions from 2 submitters: Uncertain significance (2). Last evaluated 2025-05-05.

Conditions:
Inborn genetic diseases. Identifiers: MedGen C0950123, MeSH D030342.

Allele frequency attached by ClinVar (database versions not stated): gnomAD exomes below 0.00001 and 0.00001; ExAC 0.00001.
gnomAD v4.1: 13 of 1,609,630 alleles (0.00081%); highest among the groups gnomAD compares: East Asian, 0.02%; no homozygotes.

Submissions (2):

Ambry Genetics
Classification: Uncertain significance for Inborn genetic diseases. Last evaluated: 2025-05-05. Review status: criteria provided, single submitter. Criteria: Ambry Variant Classification Scheme 2023. Collection method: clinical testing. Allele origin: germline.

GeneDx
Classification: Uncertain significance. Last evaluated: 2014-05-19. Review status: criteria provided, single submitter. Criteria: GeneDx Variant Classification (06012015). Collection method: clinical testing. Allele origin: germline. Affected: yes.
Comment: p.Arg47Gln (CGA>CAA): c.140 G>A in exon 2 of the NDUFAF2 gene (NM_174889.4). The R47Q variant of unknown significance identified in the NDUFAF2 gene has not been published as a mutation, nor has it been reported as a benign polymorphism to our knowledge. The R47Q variant is a semi-conservative amino acid substitution, which may impact secondary protein structure as these residues differ in some properties. This substitution occurs at a position that is conserved across species. In silico analysis is inconsistent in its predictions as to whether or not the variant is damaging to the protein structure/function. Therefore, based on the currently available information, it is unclear whether this variant is a pathogenic mutation or a rare benign variant. The variant is found in MITONUC-MITOP panel(s).